The following is an entry in ClinVar:

ClinVar aggregate classification (germline): Uncertain significance. Review status: criteria provided, multiple submitters, no conflicts (2 of 4 stars). 2 submissions from 2 submitters: Uncertain significance (2). Last evaluated 2025-06-23.

Conditions:
Inborn genetic diseases. Identifiers: MedGen C0950123, MeSH D030342.

Allele frequency attached by ClinVar (database versions not stated): gnomAD 0.00001 and 0.00002; gnomAD exomes 0.00001 and 0.00003; ExAC 0.00003; TOPMed 0.00003; 1000 Genomes Project 30x 0.00016; 1000 Genomes Project 0.00020.
gnomAD v4.1: 19 of 1,613,862 alleles (0.0012%); highest among the groups gnomAD compares: East Asian, 0.033%; no homozygotes.

Submissions (2):

Labcorp Genetics (formerly Invitae), Labcorp
Classification: Uncertain significance. Last evaluated: 2025-06-23. Review status: criteria provided, single submitter. Criteria: Invitae Variant Classification Sherloc (09022015). Collection method: clinical testing. Allele origin: germline.
Comment: This sequence change replaces aspartic acid with glycine at codon 1441 of the MYO18B protein (p.Asp1441Gly). The aspartic acid residue is moderately conserved and there is a moderate physicochemical difference between aspartic acid and glycine. This variant is present in population databases (rs188687136, gnomAD 0.03%). This variant has not been reported in the literature in individuals affected with MYO18B-related conditions. ClinVar contains an entry for this variant (Variation ID: 1370956). An algorithm developed to predict the effect of missense changes on protein structure and function (PolyPhen-2) suggests that this variant is likely to be disruptive. In summary, the available evidence is currently insufficient to determine the role of this variant in disease. Therefore, it has been classified as a Variant of Uncertain Significance.

Ambry Genetics
Classification: Uncertain significance for Inborn genetic diseases. Last evaluated: 2024-07-05. Review status: criteria provided, single submitter. Criteria: Ambry Variant Classification Scheme 2023. Collection method: clinical testing. Allele origin: germline.

NM_032608.7(MYO18B):c.4322A>G (p.Asp1441Gly)

Genes: MYO18B (myosin XVIIIB; plus strand), MYO18B-AS1 (MYO18B antisense RNA 1; minus strand). Cytogenetic location: 22q12.1.
Variant type: single nucleotide variant.
Coding change: c.4322A>G on transcript NM_032608.7 (MANE Select); coding-DNA position 4322, A replaced by G.
Protein change: p.Asp1441Gly; replaces aspartic acid 1441 with glycine.
Molecular consequence: missense variant.
Genome position (GRCh38, 1-based): chr22:25,890,763, A>G. VCF-style: chr22-25890763-A-G. GRCh37 (hg19) VCF-style: chr22-26286730-A-G.
Other names: c.4325A>G, p.Asp1442Gly (NM_001318245.2); c.4322A>G (NM_032608.5); short protein forms D1442G, D1441G.
Identifiers: ClinVar variation 1370956 (VCV001370956.7), dbSNP rs188687136, ClinGen allele CA10160852.